The following is an entry in ClinVar:

NM_004082.5(DCTN1):c.3146G>A (p.Arg1049Gln)

Gene: DCTN1 (dynactin subunit 1; minus strand). Cytogenetic location: 2p13.1.
Variant type: single nucleotide variant.
Coding change: c.3146G>A on transcript NM_004082.5 (MANE Select); coding-DNA position 3146, G replaced by A.
Protein change: p.Arg1049Gln; replaces arginine 1049 with glutamine.
Molecular consequence: missense variant. On other transcripts: non-coding transcript variant (1).
Genome position (GRCh38, 1-based): chr2:74,365,125, C>T on the plus strand (G>A on the coding strand, the complement: DCTN1 is on the minus strand). VCF-style: chr2-74365125-C-T. GRCh37 (hg19) VCF-style: chr2-74592252-C-T.
Other names: c.3086G>A, p.Arg1029Gln (NM_001135040.3); c.2744G>A, p.Arg915Gln (NM_001135041.3, NM_023019.4); c.3035G>A, p.Arg1012Gln (NM_001190836.2); c.3125G>A, p.Arg1042Gln (NM_001190837.2); c.3095G>A, p.Arg1032Gln (NM_001378991.1); c.3077G>A, p.Arg1026Gln (NM_001378992.1); short protein forms R1049Q, R915Q, R1012Q, R1042Q, R1029Q, R1026Q, R1032Q.
Identifiers: ClinVar variation 337078 (VCV000337078.71), dbSNP rs72659383, ClinGen allele CA1721615.

ClinVar aggregate classification (germline): Benign/Likely benign. Review status: criteria provided, multiple submitters, no conflicts (2 of 4 stars). 17 submissions from 16 submitters: Benign (4); Likely benign (7). 6 of the submissions do not count toward it. Last evaluated 2026-06-01.

Conditions:
Neuronopathy, distal hereditary motor, type 7B. Also called: Distal Hereditary Motor Neuronopathy Type 7B (dHMN7B); HMN VIIB; LOWER MOTOR NEURON DISEASE, DYNACTIN TYPE; NEURONOPATHY, DISTAL HEREDITARY MOTOR, AUTOSOMAL DOMINANT 14; NEURONOPATHY, DISTAL HEREDITARY MOTOR, HARDING TYPE VIIB; NEUROPATHY, DISTAL HEREDITARY MOTOR, HARDING TYPE VIIB. Identifiers: Orphanet 139589, MedGen C1843315, MONDO:0011879, OMIM 607641.
Perry syndrome. Also called: PARKINSONISM WITH ALVEOLAR HYPOVENTILATION AND MENTAL DEPRESSION. Identifiers: Orphanet 178509, MedGen C1868594, MONDO:0008201, OMIM 168605.
Amyotrophic lateral sclerosis type 1 (ALS1). Also called: AMYOTROPHIC LATERAL SCLEROSIS 1, FAMILIAL. Identifiers: Orphanet 803, MedGen C1862939, MONDO:0007103, OMIM 105400.
DCTN1-related disorder. Also called: DCTN1-related condition.
Inborn genetic diseases. Identifiers: MedGen C0950123, MeSH D030342.

Allele frequency attached by ClinVar (database versions not stated): 1000 Genomes Project 0.00040; 1000 Genomes Project 30x 0.00047; ExAC 0.00099; gnomAD exomes 0.00108 and 0.00147; TOPMed 0.00133; gnomAD 0.00157 and 0.00166; ESP Exome Variant Server 0.00161.
gnomAD v4.1: 2,376 of 1,614,142 alleles (0.15%); highest among the groups gnomAD compares: Admixed American, 0.23%; 1 homozygote.

Submissions (17):

CeGaT Center for Human Genetics Tuebingen
Classification: Likely benign. Last evaluated: 2026-06-01. Review status: criteria provided, single submitter. Criteria: CeGaT Center For Human Genetics Tuebingen Variant Classification Criteria Version 2. Collection method: clinical testing. Allele origin: germline. Affected: yes. Observed: 6 variant alleles.
Comment: DCTN1: BS1

Labcorp Genetics (formerly Invitae), Labcorp
Classification: Likely benign for Amyotrophic lateral sclerosis type 1; Neuronopathy, distal hereditary motor, type 7B; Perry syndrome. Last evaluated: 2026-02-01. Review status: criteria provided, single submitter. Criteria: Invitae Variant Classification Sherloc (09022015). Collection method: clinical testing. Allele origin: germline.

Women's Health and Genetics/Laboratory Corporation of America, LabCorp
Classification: Likely benign. Last evaluated: 2025-11-11. Review status: criteria provided, single submitter. Criteria: LabCorp Variant Classification Summary - May 2015. Collection method: clinical testing. Allele origin: germline.

Athena Diagnostics
Classification: Benign. Last evaluated: 2025-07-01. Review status: criteria provided, single submitter. Criteria: Athena Diagnostics Criteria. Collection method: clinical testing. Allele origin: unknown.
Comment: The frequency of this variant in the general population is higher than would generally be expected for pathogenic variants in this gene.

Blueprint Genetics
Classification: Likely benign. Last evaluated: 2024-11-26. Review status: criteria provided, single submitter. Criteria: ACMG Guidelines, 2015. Collection method: clinical testing. Allele origin: germline.

ARUP Laboratories, Molecular Genetics and Genomics, ARUP Laboratories
Classification: Likely benign. Last evaluated: 2024-02-15. Review status: criteria provided, single submitter. Criteria: ARUP Molecular Germline Variant Investigation Process 2024. Collection method: clinical testing. Allele origin: germline.

GeneDx
Classification: Benign. Last evaluated: 2021-07-22. Review status: criteria provided, single submitter. Criteria: GeneDx Variant Classification Process June 2021. Collection method: clinical testing. Allele origin: germline. Affected: yes.
Comment: This variant is associated with the following publications: (PMID: 23143281)

Ambry Genetics
Classification: Likely benign for Inborn genetic diseases. Last evaluated: 2019-10-17. Review status: criteria provided, single submitter. Criteria: Ambry Variant Classification Scheme 2023. Collection method: clinical testing. Allele origin: germline.

Illumina Laboratory Services, Illumina
Classification: Benign for Neuronopathy, distal hereditary motor, type 7B. Last evaluated: 2018-01-13. Review status: criteria provided, single submitter. Criteria: ICSL Variant Classification Criteria 13 December 2019. Collection method: clinical testing. Allele origin: germline.
Comment: This variant was observed in the ICSL laboratory as part of a predisposition screen in an ostensibly healthy population. It had not been previously curated by ICSL or reported in the Human Gene Mutation Database (HGMD: prior to June 1st, 2018), and was therefore a candidate for classification through an automated scoring system. Utilizing variant allele frequency, disease prevalence and penetrance estimates, and inheritance mode, an automated score was calculated to assess if this variant is too frequent to cause the disease. Based on the score and internal cut-off values, a variant classified as benign is not then subjected to further curation. The score for this variant resulted in a classification of benign for this disease.

Illumina Laboratory Services, Illumina
Classification: Benign for Perry syndrome. Last evaluated: 2018-01-13. Review status: criteria provided, single submitter. Criteria: ICSL Variant Classification Criteria 13 December 2019. Collection method: clinical testing. Allele origin: germline.
Comment: the same text as in the submission from Illumina Laboratory Services, Illumina above.

Eurofins Ntd Llc (ga)
Classification: Likely benign. Last evaluated: 2016-11-17. Review status: criteria provided, single submitter. Criteria: EGL Classification Definitions 2015. Collection method: clinical testing. Allele origin: germline. Observed: 1 variant allele, 1 heterozygote.

PreventionGenetics, part of Exact Sciences
Classification: Likely benign for DCTN1-related condition. Last evaluated: 2023-10-11. Review status: no assertion criteria provided. Collection method: clinical testing. Allele origin: germline. Not counted in ClinVar's aggregate classification.
Comment: This variant is classified as likely benign based on ACMG/AMP sequence variant interpretation guidelines (Richards et al. 2015 PMID: 25741868, with internal and published modifications).

Inherited Neuropathy Consortium Ii, University Of Miami
Classification: Uncertain significance for Perry syndrome. Last evaluated: 2016-01-06. Review status: no assertion criteria provided. Collection method: literature only. Allele origin: germline. Affected: yes. Not counted in ClinVar's aggregate classification.

Clinical Genetics DNA and cytogenetics Diagnostics Lab, Erasmus MC, Erasmus Medical Center
Classification: Likely benign. Review status: no assertion criteria provided. Collection method: clinical testing. Allele origin: germline. Affected: yes. Study: VKGL Data-share Consensus. Not counted in ClinVar's aggregate classification.

Clinical Genetics, Academic Medical Center
Classification: Likely benign. Review status: no assertion criteria provided. Collection method: clinical testing. Allele origin: germline. Affected: yes. Study: VKGL Data-share Consensus. Not counted in ClinVar's aggregate classification.

Genome Diagnostics Laboratory, Amsterdam University Medical Center
Classification: Likely benign. Review status: no assertion criteria provided. Collection method: clinical testing. Allele origin: germline. Affected: yes. Study: VKGL Data-share Consensus. Not counted in ClinVar's aggregate classification.

Genome Diagnostics Laboratory, University Medical Center Utrecht
Classification: Likely benign. Review status: no assertion criteria provided. Collection method: clinical testing. Allele origin: germline. Affected: yes. Study: VKGL Data-share Consensus. Not counted in ClinVar's aggregate classification.

Literature cited by the submitters: PubMed 29525178 (cited by Athena Diagnostics); PubMed 38267040 (cited by Athena Diagnostics); PubMed 27132499 (cited by Athena Diagnostics); PubMed 23143281 (cited by Athena Diagnostics and Inherited Neuropathy Consortium Ii, University Of Miami); PubMed 19506225 (cited by Athena Diagnostics); PubMed 25382069 (cited by Athena Diagnostics).